The following is an entry in ClinVar:

NM_003482.4(KMT2D):c.11738AGC[6] (p.Gln3919del)

Gene: KMT2D (lysine methyltransferase 2D; minus strand). Cytogenetic location: 12q13.12.
Variant type: Microsatellite.
Coding change: c.11738AGC[6] on transcript NM_003482.4 (MANE Select); six copies in a row of the 3-base unit AGC starting at c.11738; the reference has seven copies in a row; one copy, 3 bases deleted; also written c.11756_11758del.
Protein change: p.Gln3919del; deletes glutamine 3919.
Molecular consequence: inframe deletion.
Genome position (GRCh38, 1-based): chr12:49,032,947-49,032,949, GCT deleted on the plus strand (AGC on the coding strand, the reverse complement: KMT2D is on the minus strand); deleting any 3 consecutive bases within chr12:49,032,947-49,032,968 gives the same sequence; the position shown is the placement nearest the transcript's 3' end. VCF-style (leftmost placement, unchanged base first): chr12-49032946-AGCT-A. GRCh37 (hg19) VCF-style: chr12-49426729-AGCT-A.
Other names: c.11756_11758del (NM_003482.3); c.11756_11758delAGC (NM_003482.3); short protein forms Q3919del.
Identifiers: ClinVar variation 158719 (VCV000158719.12), dbSNP rs576788910, ClinGen allele CA172409.

ClinVar aggregate classification (germline): Conflicting classifications of pathogenicity. Review status: criteria provided, conflicting classifications (1 of 4 stars). 4 submissions from 4 submitters: Uncertain significance (3); Likely benign (1). Last evaluated 2025-12-03.

Conditions:
KMT2D-related disorder. Also called: KMT2D-Related Disorders.
Kabuki syndrome. Also called: Kabuki make-up syndrome; NIIKAWA-KUROKI SYNDROME. Identifiers: Orphanet 2322, MedGen C0796004, MONDO:0016512.

Submissions (4):

Labcorp Genetics (formerly Invitae), Labcorp
Classification: Uncertain significance for Kabuki syndrome. Last evaluated: 2025-12-03. Review status: criteria provided, single submitter. Criteria: Invitae Variant Classification Sherloc (09022015). Collection method: clinical testing. Allele origin: germline.
Comment: This variant, c.11756_11758del, results in the deletion of 1 amino acid(s) of the KMT2D protein (p.Gln3919del), but otherwise preserves the integrity of the reading frame. The frequency data for this variant in the population databases is considered unreliable, as metrics indicate poor data quality at this position in the gnomAD database. This variant has not been reported in the literature in individuals affected with KMT2D-related conditions. ClinVar contains an entry for this variant (Variation ID: 158719). Experimental studies and prediction algorithms are not available or were not evaluated, and the functional significance of this variant is currently unknown. In summary, the available evidence is currently insufficient to determine the role of this variant in disease. Therefore, it has been classified as a Variant of Uncertain Significance.

PreventionGenetics, part of Exact Sciences
Classification: Uncertain significance for KMT2D-related condition. Last evaluated: 2025-09-24. Review status: criteria provided, single submitter. Criteria: ACMG Guidelines, 2015. Collection method: clinical testing. Allele origin: germline.
Comment: The KMT2D c.11756_11758delAGC variant is predicted to result in an in-frame deletion (p.Gln3919del). To our knowledge, this variant has not been reported in the literature. This variant is reported in 0.068% of alleles in individuals of European (Finnish) descent in gnomAD. Although we suspect that this variant may be benign, at this time, the clinical significance of this variant is uncertain due to the absence of conclusive functional and genetic evidence.

ARUP Laboratories, Molecular Genetics and Genomics, ARUP Laboratories
Classification: Uncertain significance. Last evaluated: 2023-06-13. Review status: criteria provided, single submitter. Criteria: ARUP Molecular Germline Variant Investigation Process 2024. Collection method: clinical testing. Allele origin: germline.
Comment: The KMT2D c.11756_11758del; p.Gln3919del variant (rs576788910), to our knowledge, is not reported in the medical literature but is reported in ClinVar (Variation ID: 158719). This variant is found in the general population with an overall allele frequency of 0.02% (37/182812 alleles) in the Genome Aggregation Database. This variant deletes a single glutamine residue leaving the rest of the protein in-frame. Due to limited information, the clinical significance of this variant is uncertain at this time.

Genetic Services Laboratory, University of Chicago
Classification: Likely benign. Last evaluated: 2013-02-08. Review status: criteria provided, single submitter. Criteria: ACMG Guidelines, 2007. Collection method: clinical testing. Allele origin: germline. Inheritance: Autosomal dominant inheritance.